The following is an entry in ClinVar:

NM_001085458.2(CTNND1):c.815T>C (p.Leu272Pro)

Genes: CTNND1 (catenin delta 1; plus strand), TMX2-CTNND1 (TMX2-CTNND1 readthrough (NMD candidate); plus strand). Cytogenetic location: 11q12.1.
Variant type: single nucleotide variant.
Coding change: c.815T>C on transcript NM_001085458.2 (MANE Select); coding-DNA position 815, T replaced by C.
Protein change: p.Leu272Pro; replaces leucine 272 with proline.
Molecular consequence: missense variant. On other transcripts: non-coding transcript variant (1).
Genome position (GRCh38, 1-based): chr11:57,796,851, T>C. VCF-style: chr11-57796851-T-C. GRCh37 (hg19) VCF-style: chr11-57564323-T-C.
Other names: c.815T>C, p.Leu272Pro (NM_001085459.2, NM_001085460.2, NM_001085461.2 and 3 more transcripts); c.512T>C, p.Leu171Pro (NM_001085463.2, NM_001085464.2, NM_001085465.2 and 5 more transcripts); c.653T>C, p.Leu218Pro (NM_001206883.2, NM_001206884.2, NM_001206886.2 and 4 more transcripts); short protein forms L171P, L218P, L272P.
Identifiers: ClinVar variation 3343262 (VCV003343262.1).

ClinVar aggregate classification (germline): Uncertain significance (1 of 4 stars; one submission).

Submission:

GeneDx
Classification: Uncertain significance. Last evaluated: 2023-05-06. Review status: criteria provided, single submitter. Criteria: GeneDx Variant Classification Process June 2021. Collection method: clinical testing. Allele origin: germline. Affected: yes.
Comment: Not observed at significant frequency in large population cohorts (gnomAD); In silico analysis supports that this missense variant does not alter protein structure/function; Has not been previously published as pathogenic or benign to our knowledge